The following is an entry in ClinVar:

NM_000089.4(COL1A2):c.1810G>A (p.Gly604Ser)

Gene: COL1A2 (collagen type I alpha 2 chain; plus strand). Cytogenetic location: 7q21.3.
Variant type: single nucleotide variant.
Coding change: c.1810G>A on transcript NM_000089.4 (MANE Select); coding-DNA position 1810, G replaced by A.
Protein change: p.Gly604Ser; replaces glycine 604 with serine.
Molecular consequence: missense variant.
Genome position (GRCh38, 1-based): chr7:94,416,450, G>A. VCF-style: chr7-94416450-G-A. GRCh37 (hg19) VCF-style: chr7-94045762-G-A.
Other names: short protein forms G604S.
Identifiers: ClinVar variation 3758892 (VCV003758892.2).

ClinVar aggregate classification (germline): Likely pathogenic (1 of 4 stars; one submission).

Conditions:
Ehlers-Danlos syndrome, classic type, 1 (EDSCL1). Also called: EHLERS-DANLOS SYNDROME, GRAVIS TYPE; EHLERS-DANLOS SYNDROME, SEVERE CLASSIC TYPE; Ehlers-Danlos syndrome, type 1; Ehlers-Danlos Syndrome, Classic Type, COL5A1-Related; EDS I. Identifiers: MedGen C0268335, MONDO:0019567, OMIM 130000.
Osteogenesis imperfecta type I (OI1). Also called: OI, TYPE I; OSTEOGENESIS IMPERFECTA TARDA; OSTEOGENESIS IMPERFECTA WITH BLUE SCLERAE; Osteogenesis imperfecta type 1; Lobstein's Disease; Lobstein disease. Identifiers: Orphanet 216796, Orphanet 666, MedGen C0023931, MONDO:0008146, OMIM 166200. Disease mechanism: loss of function.

Submission:

Labcorp Genetics (formerly Invitae), Labcorp
Classification: Likely pathogenic for Osteogenesis imperfecta type I; Ehlers-Danlos syndrome, classic type, 1. Last evaluated: 2024-11-25. Review status: criteria provided, single submitter. Criteria: Invitae Variant Classification Sherloc (09022015). Collection method: clinical testing. Allele origin: germline.
Comment: This sequence change replaces glycine, which is neutral and non-polar, with serine, which is neutral and polar, at codon 604 of the COL1A2 protein (p.Gly604Ser). This variant is not present in population databases (gnomAD no frequency). This missense change has been observed in individual(s) with clinical features of osteogenesis imperfecta (internal data). Invitae Evidence Modeling of protein sequence and biophysical properties (such as structural, functional, and spatial information, amino acid conservation, physicochemical variation, residue mobility, and thermodynamic stability) indicates that this missense variant is expected to disrupt COL1A2 protein function with a positive predictive value of 95%. This variant disrupts the triple helix domain of COL1A2. Glycine residues within the Gly-Xaa-Yaa repeats of the triple helix domain are required for the structure and stability of fibrillar collagens (PMID: 7695699, 8218237, 19344236). In COL1A2, variants affecting these glycine residues are significantly enriched in individuals with disease (PMID: 9016532, 17078022) compared to the general population (ExAC). In summary, the currently available evidence indicates that the variant is pathogenic, but additional data are needed to prove that conclusively. Therefore, this variant has been classified as Likely Pathogenic.

Literature cited by the submitters: PubMed 7695699; PubMed 8218237; PubMed 19344236; PubMed 9016532; PubMed 17078022.